The following is an entry in ClinVar:

ClinVar aggregate classification (germline): Uncertain significance. Review status: criteria provided, multiple submitters, no conflicts (2 of 4 stars). 4 submissions from 4 submitters: Uncertain significance (4). Last evaluated 2023-04-11.

Conditions:
Developmental and epileptic encephalopathy, 18 (DEE18). Also called: Early infantile epileptic encephalopathy 18. Identifiers: Orphanet 369894, MedGen C3809624, MONDO:0014201, OMIM 615476.

Allele frequency attached by ClinVar (database versions not stated): gnomAD 0.00001; gnomAD exomes 0.00001; ExAC 0.00002; TOPMed 0.00002.
gnomAD v4.1: 4 of 1,613,992 alleles (0.00025%); highest among the groups gnomAD compares: Admixed American, 0.005%; no homozygotes.

Submissions (4):

Genome-Nilou Lab
Classification: Uncertain significance for Developmental and epileptic encephalopathy, 18. Last evaluated: 2023-04-11. Review status: criteria provided, single submitter. Criteria: ACMG Guidelines, 2015. Collection method: clinical testing. Allele origin: germline. Affected: no.

GeneDx
Classification: Uncertain significance. Last evaluated: 2022-09-06. Review status: criteria provided, single submitter. Criteria: GeneDx Variant Classification Process June 2021. Collection method: clinical testing. Allele origin: germline. Affected: yes.
Comment: Not observed at significant frequency in large population cohorts (gnomAD); In silico analysis supports a deleterious effect on splicing; Has not been previously published as pathogenic or benign to our knowledge

Labcorp Genetics (formerly Invitae), Labcorp
Classification: Uncertain significance. Last evaluated: 2022-08-19. Review status: criteria provided, single submitter. Criteria: Invitae Variant Classification Sherloc (09022015). Collection method: clinical testing. Allele origin: germline.
Comment: This sequence change falls in intron 70 of the SZT2 gene. It does not directly change the encoded amino acid sequence of the SZT2 protein. It affects a nucleotide within the consensus splice site. This variant is present in population databases (rs755843150, gnomAD 0.004%). This variant has not been reported in the literature in individuals affected with SZT2-related conditions. ClinVar contains an entry for this variant (Variation ID: 1033345). Variants that disrupt the consensus splice site are a relatively common cause of aberrant splicing (PMID: 17576681, 9536098). Algorithms developed to predict the effect of sequence changes on RNA splicing suggest that this variant may disrupt the consensus splice site. In summary, the available evidence is currently insufficient to determine the role of this variant in disease. Therefore, it has been classified as a Variant of Uncertain Significance.

Baylor Genetics
Classification: Uncertain significance for Developmental and epileptic encephalopathy, 18. Last evaluated: 2018-02-23. Review status: criteria provided, single submitter. Criteria: ACMG Guidelines, 2015. Collection method: clinical testing. Allele origin: paternal. Affected: yes.
Comment: This variant was determined to be of uncertain significance according to ACMG Guidelines, 2015 [PMID:25741868].

Literature cited by the submitters: PubMed 17576681 (cited by Labcorp Genetics (formerly Invitae), Labcorp); PubMed 9536098 (cited by Labcorp Genetics (formerly Invitae), Labcorp).

NM_001365999.1(SZT2):c.10155+5G>C

Gene: SZT2 (SZT2 subunit of KICSTOR complex; plus strand). Cytogenetic location: 1p34.2.
Variant type: single nucleotide variant.
Coding change: c.10155+5G>C on transcript NM_001365999.1 (MANE Select); 5 bases into the intron after coding-DNA position 10155, G replaced by C.
Molecular consequence: intron variant.
Genome position (GRCh38, 1-based): chr1:43,450,176, G>C. VCF-style: chr1-43450176-G-C. GRCh37 (hg19) VCF-style: chr1-43915847-G-C.
Other names: c.9984+5G>C (NM_015284.4).
Identifiers: ClinVar variation 1033345 (VCV001033345.5), dbSNP rs755843150, ClinGen allele CA811098.